The following is an entry in ClinVar:

ClinVar aggregate classification (germline): Uncertain significance (1 of 4 stars; one submission).

Conditions:
Primary ciliary dyskinesia. Also called: Ciliary dyskinesia. Identifiers: Orphanet 244, MedGen C0008780, MONDO:0016575, HP:0012265.

gnomAD v4.1: 1 of 1,607,942 alleles (0.000062%); highest among the groups gnomAD compares: Non-Finnish European, 0.000085%; no homozygotes.

Submission:

Labcorp Genetics (formerly Invitae), Labcorp
Classification: Uncertain significance for Primary ciliary dyskinesia. Last evaluated: 2024-11-12. Review status: criteria provided, single submitter. Criteria: Invitae Variant Classification Sherloc (09022015). Collection method: clinical testing. Allele origin: germline.
Comment: This sequence change replaces lysine, which is basic and polar, with glutamine, which is neutral and polar, at codon 557 of the DNAH8 protein (p.Lys557Gln). This variant is not present in population databases (gnomAD no frequency). This variant has not been reported in the literature in individuals affected with DNAH8-related conditions. Experimental studies and prediction algorithms are not available or were not evaluated, and the functional significance of this variant is currently unknown. In summary, the available evidence is currently insufficient to determine the role of this variant in disease. Therefore, it has been classified as a Variant of Uncertain Significance.

NM_001206927.2(DNAH8):c.1669A>C (p.Lys557Gln)

Gene: DNAH8 (dynein axonemal heavy chain 8; plus strand). Cytogenetic location: 6p21.2.
Variant type: single nucleotide variant.
Coding change: c.1669A>C on transcript NM_001206927.2 (MANE Select); coding-DNA position 1669, A replaced by C.
Protein change: p.Lys557Gln; replaces lysine 557 with glutamine.
Molecular consequence: missense variant.
Genome position (GRCh38, 1-based): chr6:38,770,464, A>C. VCF-style: chr6-38770464-A-C. GRCh37 (hg19) VCF-style: chr6-38738240-A-C.
Other names: c.1018A>C, p.Lys340Gln (NM_001371.4); short protein forms K340Q, K557Q.
Identifiers: ClinVar variation 3694312 (VCV003694312.2).